The following is an entry in ClinVar:

ClinVar aggregate classification (germline): Uncertain significance (1 of 4 stars; one submission).

Conditions:
Long QT syndrome (LQTS). Identifiers: MedGen C0023976, MeSH D008133, MONDO:0002442. Disease mechanism: loss of function. Inheritance: Various modes of inheritance.

Submission:

Labcorp Genetics (formerly Invitae), Labcorp
Classification: Uncertain significance for Long QT syndrome. Last evaluated: 2019-09-29. Review status: criteria provided, single submitter. Criteria: Invitae Variant Classification Sherloc (09022015). Collection method: clinical testing. Allele origin: germline.
Comment: This variant has not been reported in the literature in individuals with ANK2-related conditions. This variant is not present in population databases (ExAC no frequency). In summary, the available evidence is currently insufficient to determine the role of this variant in disease. Therefore, it has been classified as a Variant of Uncertain Significance. Algorithms developed to predict the effect of missense changes on protein structure and function are either unavailable or do not agree on the potential impact of this missense change (SIFT: "Deleterious"; PolyPhen-2: "Probably Damaging"; Align-GVGD: "Class C15"). This sequence change replaces threonine with isoleucine at codon 1283 of the ANK2 protein (p.Thr1283Ile). The threonine residue is highly conserved and there is a moderate physicochemical difference between threonine and isoleucine.

NM_001148.6(ANK2):c.3848C>T (p.Thr1283Ile)

Gene: ANK2 (ankyrin 2; plus strand). Cytogenetic location: 4q26.
Variant type: single nucleotide variant.
Coding change: c.3848C>T on transcript NM_001148.6 (MANE Select); coding-DNA position 3848, C replaced by T.
Protein change: p.Thr1283Ile; replaces threonine 1283 with isoleucine.
Molecular consequence: missense variant.
Genome position (GRCh38, 1-based): chr4:113,339,277, C>T. VCF-style: chr4-113339277-C-T. GRCh37 (hg19) VCF-style: chr4-114260433-C-T.
Other names: c.3821C>T, p.Thr1274Ile (NM_001127493.3); c.3860C>T, p.Thr1287Ile (NM_001354225.2); c.3749C>T, p.Thr1250Ile (NM_001354228.2, NM_001354258.2); c.3827C>T, p.Thr1276Ile (NM_001354230.2); c.3890C>T, p.Thr1297Ile (NM_001354231.2, NM_001354242.2); c.3884C>T, p.Thr1295Ile (NM_001354232.2); c.3845C>T, p.Thr1282Ile (NM_001354235.2, NM_001354246.2, NM_001354265.2); c.3746C>T, p.Thr1249Ile (NM_001354236.2); and 31 more; short protein forms T1196I, T1217I, T1221I, T1229I, T1236I, T1249I, T1266I, T1273I.
Identifiers: ClinVar variation 937780 (VCV000937780.6), dbSNP rs2093970685, ClinGen allele CA357906726.